The following is an entry in ClinVar:

ClinVar aggregate classification (germline): Pathogenic. Review status: criteria provided, multiple submitters, no conflicts (2 of 4 stars). 2 submissions from 2 submitters: Pathogenic (2). Last evaluated 2022-08-31.

Conditions:
Optic atrophy 9 (OPA9). Identifiers: MedGen C4225384, MONDO:0014571, OMIM 616289.

Submissions (2):

Labcorp Genetics (formerly Invitae), Labcorp
Classification: Pathogenic. Last evaluated: 2022-08-31. Review status: criteria provided, single submitter. Criteria: Invitae Variant Classification Sherloc (09022015). Collection method: clinical testing. Allele origin: germline.
Comment: This sequence change creates a premature translational stop signal (p.Gly503*) in the ACO2 gene. It is expected to result in an absent or disrupted protein product. Loss-of-function variants in ACO2 are known to be pathogenic (PMID: 30689204, 32519519). For these reasons, this variant has been classified as Pathogenic. ClinVar contains an entry for this variant (Variation ID: 1213918). This variant has not been reported in the literature in individuals affected with ACO2-related conditions. This variant is not present in population databases (gnomAD no frequency).

DBGen Ocular Genomics
Classification: Pathogenic for Optic atrophy 9. Last evaluated: 2021-05-31. Review status: criteria provided, single submitter. Criteria: ACMG Guidelines, 2015. Collection method: clinical testing. Allele origin: germline. Affected: yes. Observed: 1 variant allele.

Literature cited by the submitters: PubMed 30689204 (cited by Labcorp Genetics (formerly Invitae), Labcorp); PubMed 32519519 (cited by Labcorp Genetics (formerly Invitae), Labcorp).

NM_001098.3(ACO2):c.1507G>T (p.Gly503Ter)

Gene: ACO2 (aconitase 2; plus strand). Cytogenetic location: 22q13.2.
Variant type: single nucleotide variant.
Coding change: c.1507G>T on transcript NM_001098.3 (MANE Select); coding-DNA position 1507, G replaced by T.
Protein change: p.Gly503Ter; replaces glycine 503 with a stop codon.
Molecular consequence: nonsense.
Genome position (GRCh38, 1-based): chr22:41,524,870, G>T. VCF-style: chr22-41524870-G-T. GRCh37 (hg19) VCF-style: chr22-41920874-G-T.
Other names: short protein forms G503*.
Identifiers: ClinVar variation 1213918 (VCV001213918.8), dbSNP rs2146139034, ClinGen allele CA411727314.